The following is an entry in ClinVar:

NM_015512.5(DNAH1):c.12349T>C (p.Phe4117Leu)

Gene: DNAH1 (dynein axonemal heavy chain 1; plus strand). Cytogenetic location: 3p21.1.
Variant type: single nucleotide variant.
Coding change: c.12349T>C on transcript NM_015512.5 (MANE Select); coding-DNA position 12349, T replaced by C.
Protein change: p.Phe4117Leu; replaces phenylalanine 4117 with leucine.
Molecular consequence: missense variant.
Genome position (GRCh38, 1-based): chr3:52,399,109, T>C. VCF-style: chr3-52399109-T-C. GRCh37 (hg19) VCF-style: chr3-52433125-T-C.
Other names: short protein forms F4117L.
Identifiers: ClinVar variation 2524138 (VCV002524138.4), dbSNP rs148445833, ClinGen allele CA2436460.
Genomic context (GRCh38, chr3:52,399,109, plus strand): 5'-CTGGACTTTCTGCAGGCCTGGATCCAAGATGGCATCCCAGCTGTCTTCTGGATCAGTGGA[T>C]TCTTCTTCCCCCAGGCTTTCTTAACAGGCACTCTGCAGAATTTTGCCCGCAAATTTGTCA-3'
Protein context (NP_056327.4, residues 4107-4127): GIPAVFWISG[Phe4117Leu]FFPQAFLTGT

ClinVar aggregate classification (germline): Uncertain significance. Review status: criteria provided, multiple submitters, no conflicts (2 of 4 stars). 2 submissions from 2 submitters: Uncertain significance (2). Last evaluated 2025-09-26.

Conditions:
Spermatogenic failure 18. Identifiers: MedGen C4539783, MONDO:0054615, OMIM 617576.
Ciliary dyskinesia, primary, 37 (CILD37). Also called: CILIARY DYSKINESIA, PRIMARY, 37, WITH OR WITHOUT SITUS INVERSUS. Identifiers: MedGen C4539798, MONDO:0033204, OMIM 617577.

Allele frequency attached by ClinVar (database versions not stated): gnomAD exomes 0.00001; gnomAD 0.00012; ExAC 0.00002; TOPMed 0.00012; 1000 Genomes Project 0.00020; 1000 Genomes Project 30x 0.00031; ESP Exome Variant Server 0.00033.
gnomAD v4.1: 40 of 1,614,064 alleles (0.0025%); highest among the groups gnomAD compares: African/African-American, 0.039%; no homozygotes.

Submissions (2):

Ambry Genetics
Classification: Uncertain significance. Last evaluated: 2025-09-26. Review status: criteria provided, single submitter. Criteria: Ambry Variant Classification Scheme 2023. Collection method: clinical testing. Allele origin: germline.

Labcorp Genetics (formerly Invitae), Labcorp
Classification: Uncertain significance for Ciliary dyskinesia, primary, 37; Spermatogenic failure 18. Last evaluated: 2024-12-12. Review status: criteria provided, single submitter. Criteria: Invitae Variant Classification Sherloc (09022015). Collection method: clinical testing. Allele origin: germline.
Comment: This sequence change replaces phenylalanine, which is neutral and non-polar, with leucine, which is neutral and non-polar, at codon 4117 of the DNAH1 protein (p.Phe4117Leu). This variant is present in population databases (rs148445833, gnomAD 0.03%). This variant has not been reported in the literature in individuals affected with DNAH1-related conditions. ClinVar contains an entry for this variant (Variation ID: 2524138). Invitae Evidence Modeling of protein sequence and biophysical properties (such as structural, functional, and spatial information, amino acid conservation, physicochemical variation, residue mobility, and thermodynamic stability) indicates that this missense variant is not expected to disrupt DNAH1 protein function with a negative predictive value of 80%. In summary, the available evidence is currently insufficient to determine the role of this variant in disease. Therefore, it has been classified as a Variant of Uncertain Significance.